The following is an entry in ClinVar:

ClinVar aggregate classification (germline): Uncertain significance (1 of 4 stars; one submission).

Conditions:
Brain small vessel disease 1 with or without ocular anomalies (BSVD1). Also called: GOULD SYNDROME 1; PORENCEPHALY, TYPE 1, AUTOSOMAL DOMINANT; Brain small vessel disease with or without ocular anomalies; BRAIN SMALL VESSEL DISEASE WITH HEMORRHAGE. Identifiers: Orphanet 2940, Orphanet 36383, Orphanet 99810, MedGen C4755307, MONDO:0008289, OMIM 175780.

gnomAD v4.1: 2 of 1,611,088 alleles (0.00012%); highest among the groups gnomAD compares: Non-Finnish European, 0.00017%; no homozygotes.

Submission:

Centre for Mendelian Genomics, University Medical Centre Ljubljana
Classification: Uncertain significance for Brain small vessel disease 1 with or without ocular anomalies. Last evaluated: 2019-12-16. Review status: criteria provided, single submitter. Criteria: ACMG Guidelines, 2015. Collection method: clinical testing. Allele origin: unknown. Affected: yes.
Comment: This variant was classified as: Uncertain significance. The available evidence on this variant's pathogenicity is insufficient or conflicting. The following ACMG criteria were applied in classifying this variant: PM2,PP3.

NM_001845.6(COL4A1):c.446C>G (p.Pro149Arg)

Gene: COL4A1 (collagen type IV alpha 1 chain; minus strand). Cytogenetic location: 13q34.
Variant type: single nucleotide variant.
Coding change: c.446C>G on transcript NM_001845.6 (MANE Select); coding-DNA position 446, C replaced by G.
Protein change: p.Pro149Arg; replaces proline 149 with arginine.
Molecular consequence: missense variant.
Genome position (GRCh38, 1-based): chr13:110,211,669, G>C on the plus strand (C>G on the coding strand, the complement: COL4A1 is on the minus strand). VCF-style: chr13-110211669-G-C. GRCh37 (hg19) VCF-style: chr13-110864016-G-C.
Other names: c.446C>G, p.Pro149Arg (NM_001303110.2); short protein forms P149R.
Identifiers: ClinVar variation 931245 (VCV000931245.5), dbSNP rs1879801583, ClinGen allele CA388726109.